The following is an entry in ClinVar:

ClinVar aggregate classification (germline): Conflicting classifications of pathogenicity. Review status: criteria provided, conflicting classifications (1 of 4 stars). 2 submissions from 2 submitters: Uncertain significance (1); Likely benign (1). Last evaluated 2024-07-17.

Conditions:
Gnathodiaphyseal dysplasia (GDD). Also called: GNATHODIAPHYSEAL SCLEROSIS; OSTEOGENESIS IMPERFECTA WITH UNUSUAL SKELETAL LESIONS. Identifiers: Orphanet 53697, MedGen C1833736, MONDO:0008151, OMIM 166260.
Autosomal recessive limb-girdle muscular dystrophy type 2L (LGMDR12). Also called: MUSCULAR DYSTROPHY, LIMB-GIRDLE, AUTOSOMAL RECESSIVE 12; Limb-girdle muscular dystrophy, type 2L; Limb-Girdle Muscular Dystrophy R12 Anoctamin-5-Related (LGMD-R12). Identifiers: Orphanet 206549, MedGen C1969785, MONDO:0012652, OMIM 611307.

Allele frequency attached by ClinVar (database versions not stated): ExAC 0.00001; gnomAD 0.00001; gnomAD exomes 0.00002; TOPMed 0.00003; 1000 Genomes Project 30x 0.00016; 1000 Genomes Project 0.00020.
gnomAD v4.1: 9 of 1,614,068 alleles (0.00056%); highest among the groups gnomAD compares: Admixed American, 0.015%; no homozygotes.

Submissions (2):

Labcorp Genetics (formerly Invitae), Labcorp
Classification: Uncertain significance for Autosomal recessive limb-girdle muscular dystrophy type 2L; Gnathodiaphyseal dysplasia. Last evaluated: 2024-07-17. Review status: criteria provided, single submitter. Criteria: Invitae Variant Classification Sherloc (09022015). Collection method: clinical testing. Allele origin: germline.
Comment: This sequence change replaces alanine, which is neutral and non-polar, with valine, which is neutral and non-polar, at codon 635 of the ANO5 protein (p.Ala635Val). This variant is present in population databases (rs540339861, gnomAD 0.01%). This variant has not been reported in the literature in individuals affected with ANO5-related conditions. ClinVar contains an entry for this variant (Variation ID: 468836). Advanced modeling of protein sequence and biophysical properties (such as structural, functional, and spatial information, amino acid conservation, physicochemical variation, residue mobility, and thermodynamic stability) performed at Invitae indicates that this missense variant is not expected to disrupt ANO5 protein function with a negative predictive value of 95%. In summary, the available evidence is currently insufficient to determine the role of this variant in disease. Therefore, it has been classified as a Variant of Uncertain Significance.

Blueprint Genetics
Classification: Likely benign. Last evaluated: 2020-08-20. Review status: criteria provided, single submitter. Criteria: ACMG Guidelines, 2015. Collection method: clinical testing. Allele origin: germline.

NM_213599.3(ANO5):c.1904C>T (p.Ala635Val)

Gene: ANO5 (anoctamin 5; plus strand). Cytogenetic location: 11p14.3.
Variant type: single nucleotide variant.
Coding change: c.1904C>T on transcript NM_213599.3 (MANE Select); coding-DNA position 1904, C replaced by T.
Protein change: p.Ala635Val; replaces alanine 635 with valine.
Molecular consequence: missense variant.
Genome position (GRCh38, 1-based): chr11:22,270,317, C>T. VCF-style: chr11-22270317-C-T. GRCh37 (hg19) VCF-style: chr11-22291863-C-T.
Other names: c.1901C>T, p.Ala634Val (NM_001142649.2); short protein forms A635V, A634V.
Identifiers: ClinVar variation 468836 (VCV000468836.10), dbSNP rs540339861, ClinGen allele CA5923405.